The following is an entry in ClinVar:

NM_004168.4(SDHA):c.1608del (p.Cys536fs)

Gene: SDHA (succinate dehydrogenase complex flavoprotein subunit A; plus strand). Cytogenetic location: 5p15.33.
Variant type: Deletion.
Coding change: c.1608del on transcript NM_004168.4 (MANE Select); coding-DNA position 1608, one base deleted (T; older notation c.1608delT).
Protein change: p.Cys536fs; shifts the reading frame from cysteine 536.
Molecular consequence: frameshift variant. On other transcripts: intron variant (1).
Genome position (GRCh38, 1-based): chr5:251,048, T deleted. VCF-style (leftmost placement, unchanged base first): chr5-251047-GT-G. GRCh37 (hg19) VCF-style: chr5-251162-GT-G.
Other names: c.1464del, p.Cys488fs (NM_001294332.2); c.1552-3345del (NM_001330758.2); short protein forms C536fs, C488fs.
Identifiers: ClinVar variation 3148632 (VCV003148632.2), dbSNP rs2477454917, ClinGen allele CA2825001405.

ClinVar aggregate classification (germline): Pathogenic. Review status: criteria provided, multiple submitters, no conflicts (2 of 4 stars). 2 submissions from 2 submitters: Pathogenic (2). Last evaluated 2025-02-19.

Conditions:
Mitochondrial complex II deficiency, nuclear type 1. Also called: SUCCINATE CoQ REDUCTASE DEFICIENCY. Identifiers: Orphanet 3208, MedGen C5700310, MONDO:0100294, OMIM 252011.
Pheochromocytoma/paraganglioma syndrome 5. Also called: Paragangliomas 5; SDHA-Related Hereditary Paraganglioma-Pheochromocytoma Syndrome. Identifiers: Orphanet 29072, MedGen C3279992, MONDO:0013602, OMIM 614165.

Submissions (2):

Labcorp Genetics (formerly Invitae), Labcorp
Classification: Pathogenic for Pheochromocytoma/paraganglioma syndrome 5; Mitochondrial complex II deficiency, nuclear type 1. Last evaluated: 2025-02-19. Review status: criteria provided, single submitter. Criteria: Invitae Variant Classification Sherloc (09022015). Collection method: clinical testing. Allele origin: germline.
Comment: This sequence change creates a premature translational stop signal (p.Cys536Trpfs*11) in the SDHA gene. It is expected to result in an absent or disrupted protein product. Loss-of-function variants in SDHA are known to be pathogenic (PMID: 22974104, 24781757). This variant is not present in population databases (gnomAD no frequency). This variant has not been reported in the literature in individuals affected with SDHA-related conditions. ClinVar contains an entry for this variant (Variation ID: 3148632). Algorithms developed to predict the effect of sequence changes on RNA splicing suggest that this variant may disrupt the consensus splice site. For these reasons, this variant has been classified as Pathogenic.

Myriad Genetics, Inc.
Classification: Pathogenic for Pheochromocytoma/paraganglioma syndrome 5. Last evaluated: 2024-02-08. Review status: criteria provided, single submitter. Criteria: Myriad Autosomal Dominant, Autosomal Recessive and X-Linked Classification Criteria (2023). Collection method: clinical testing. Allele origin: unknown.
Comment: This variant is considered pathogenic. This variant creates a frameshift predicted to result in premature protein truncation.

Literature cited by the submitters: PubMed 22974104 (cited by Labcorp Genetics (formerly Invitae), Labcorp); PubMed 24781757 (cited by Labcorp Genetics (formerly Invitae), Labcorp).